The following is an entry in ClinVar:

ClinVar aggregate classification (germline): Uncertain significance (1 of 4 stars; one submission).

Submission:

GeneDx
Classification: Uncertain significance. Last evaluated: 2026-02-17. Review status: criteria provided, single submitter. Criteria: GeneDx Variant Classification Process June 2021. Collection method: clinical testing. Allele origin: germline.
Comment: Not observed at significant frequency in large population cohorts (gnomAD); In silico analysis supports that this missense variant has a deleterious effect on protein structure/function; Has not been previously published as pathogenic or benign to our knowledge; This variant is associated with the following publications: (PMID: 27839871)

NM_001134407.3(GRIN2A):c.1289T>G (p.Val430Gly)

Gene: GRIN2A (glutamate ionotropic receptor NMDA type subunit 2A; minus strand). Cytogenetic location: 16p13.2.
Variant type: single nucleotide variant.
Coding change: c.1289T>G on transcript NM_001134407.3 (MANE Select); coding-DNA position 1289, T replaced by G.
Protein change: p.Val430Gly; replaces valine 430 with glycine.
Molecular consequence: missense variant.
Genome position (GRCh38, 1-based): chr16:9,849,795, A>C on the plus strand (T>G on the coding strand, the complement: GRIN2A is on the minus strand). VCF-style: chr16-9849795-A-C. GRCh37 (hg19) VCF-style: chr16-9943652-A-C.
Other names: c.1289T>G, p.Val430Gly (NM_000833.5, NM_001134408.2); short protein forms V430G.
Identifiers: ClinVar variation 5009120 (VCV005009120.1).
Genomic context (GRCh38, chr16:9,849,795, plus strand): 5'-GACAGCATTCCTGCCACTCACTTGATTTTGACGAACTTCCGACATGGCACGGTGTTCCTC[A>C]CACACGTCTCGGTCAGGGGGTCTATGTCTTCCACGATGACGAATGGGGCCTCCTCCAGGG-3'
Protein context (NP_001127879.1, residues 420-440): EDIDPLTETC[Val430Gly]RNTVPCRKFV